The following is an entry in ClinVar:

ClinVar aggregate classification (germline): Conflicting classifications of pathogenicity. Review status: criteria provided, conflicting classifications (1 of 4 stars). 5 submissions from 5 submitters: Likely pathogenic (4); Uncertain significance (1). Last evaluated 2025-08-15.

Conditions:
Aminoglycoside-induced deafness. Also called: DEAFNESS, STREPTOMYCIN-INDUCED; MT-RNR1-Related Hearing Loss and Deafness; STREPTOMYCIN OTOTOXICITY. Identifiers: Orphanet 168609, MedGen C1838854, MONDO:0010799, OMIM 580000.
Acute infantile liver failure due to synthesis defect of mtDNA-encoded proteins. Also called: TRMU Deficiency; LIVER FAILURE, INFANTILE, TRANSIENT; Liver failure acute infantile. Identifiers: Orphanet 217371, MedGen C3278664, MONDO:0013111, OMIM 613070.

Allele frequency attached by ClinVar (database versions not stated): gnomAD exomes below 0.00001; ExAC 0.00001.

Submissions (5):

Labcorp Genetics (formerly Invitae), Labcorp
Classification: Likely pathogenic. Last evaluated: 2025-08-15. Review status: criteria provided, single submitter. Criteria: Invitae Variant Classification Sherloc (09022015). Collection method: clinical testing. Allele origin: germline.
Comment: This sequence change replaces glycine, which is neutral and non-polar, with glutamic acid, which is acidic and polar, at codon 381 of the TRMU protein (p.Gly381Glu). This variant is present in population databases (rs774047684, gnomAD 0.0009%). This missense change has been observed in individuals with clinical features of TRMU-related conditions (PMID: 33485800, 36305855). ClinVar contains an entry for this variant (Variation ID: 903538). Invitae Evidence Modeling of protein sequence and biophysical properties (such as structural, functional, and spatial information, amino acid conservation, physicochemical variation, residue mobility, and thermodynamic stability) indicates that this missense variant is expected to disrupt TRMU protein function with a positive predictive value of 95%. Experimental studies have shown that this missense change affects TRMU function (PMID: 38113276). In summary, the currently available evidence indicates that the variant is pathogenic, but additional data are needed to prove that conclusively. Therefore, this variant has been classified as Likely Pathogenic.

Natera, Inc.
Classification: Likely pathogenic for Acute infantile liver failure due to synthesis defect of mtDNA-encoded proteins. Last evaluated: 2025-06-27. Review status: criteria provided, single submitter. Criteria: Natera Variant Classification Schema (03/2026). Collection method: clinical testing. Allele origin: germline.
Comment: The c.1142G>A variant in TRMU is a missense variant predicted to cause substitution of glycine to glutamic acid at amino acid 381. This variant is rare in the general population with a frequency below the threshold expected for the associated phenotype(s). This variant has been observed in one or more individuals affected with the associated recessive disease, as either homozygous or compound heterozygous with a second variant (PMID: 36305855). Functional studies show that this variant may disrupt protein function (PMID: 38113276). Computational prediction algorithms indicate this variant is likely to affect gene or protein function. Given the available evidence, this variant is classified as Likely Pathogenic.

Women's Health and Genetics/Laboratory Corporation of America, LabCorp
Classification: Likely pathogenic for Acute infantile liver failure due to synthesis defect of mtDNA-encoded proteins. Last evaluated: 2024-07-30. Review status: criteria provided, single submitter. Criteria: LabCorp Variant Classification Summary - May 2015. Collection method: clinical testing. Allele origin: germline.
Comment: Variant summary: TRMU c.1142G>A (p.Gly381Glu) results in a non-conservative amino acid change located in the tRNA-specific 2-thiouridylase MnmA-like, C-terminal domain (IPR046885) of the encoded protein sequence. Five of five in-silico tools predict a damaging effect of the variant on protein function. The variant allele was found at a frequency of 4e-06 in 251030 control chromosomes. c.1142G>A has been reported in the literature in at least two compound heterozygous individuals affected with Liver Failure Acute Infantile, Transient (Alves_2020, Murali_2021, Martin-Saavedra_2022, Vogel_2023). These report(s) do not provide unequivocal conclusions about association of the variant with Liver Failure Acute Infantile, Transient. At least one publication reports experimental evidence evaluating an impact on protein function. The most pronounced variant effect results in residual enzymatic activity of the mutant protein in in vitro cell-based assays (Ahmad_2024). ClinVar contains an entry for this variant (Variation ID: 903538). Based on the evidence outlined above, the variant was classified as likely pathogenic.

Baylor Genetics
Classification: Likely pathogenic for Aminoglycoside-induced deafness. Last evaluated: 2023-06-01. Review status: criteria provided, single submitter. Criteria: ACMG Guidelines, 2015. Collection method: clinical testing. Allele origin: unknown.

Illumina Laboratory Services, Illumina
Classification: Uncertain significance for Acute infantile liver failure due to synthesis defect of mtDNA-encoded proteins. Last evaluated: 2018-01-13. Review status: criteria provided, single submitter. Criteria: ICSL Variant Classification Criteria 13 December 2019. Collection method: clinical testing. Allele origin: germline.

Literature cited by the submitters: PubMed 33485800 (cited by Labcorp Genetics (formerly Invitae), Labcorp and Women's Health and Genetics/Laboratory Corporation of America, LabCorp); PubMed 36305855 (cited by 3 submitters); PubMed 38113276 (cited by 3 submitters); PubMed 32445240 (cited by Women's Health and Genetics/Laboratory Corporation of America, LabCorp); PubMed 34052969 (cited by Women's Health and Genetics/Laboratory Corporation of America, LabCorp).

NM_018006.5(TRMU):c.1142G>A (p.Gly381Glu)

Gene: TRMU (tRNA mitochondrial 2-thiouridylase; plus strand). Cytogenetic location: 22q13.31.
Variant type: single nucleotide variant.
Coding change: c.1142G>A on transcript NM_018006.5 (MANE Select); coding-DNA position 1142, G replaced by A.
Protein change: p.Gly381Glu; replaces glycine 381 with glutamic acid.
Molecular consequence: missense variant. On other transcripts: synonymous variant (2), non-coding transcript variant (2).
Genome position (GRCh38, 1-based): chr22:46,356,882, G>A. VCF-style: chr22-46356882-G-A. GRCh37 (hg19) VCF-style: chr22-46752779-G-A.
Other names: c.800G>A, p.Gly267Glu (NM_001282782.2); c.722G>A, p.Gly241Glu (NM_001282783.2); c.639G>A, p.Arg213= (NM_001282784.2); c.1059G>A, p.Arg353= (NM_001282785.2); short protein forms G241E, G267E, G381E.
Identifiers: ClinVar variation 903538 (VCV000903538.9), dbSNP rs774047684, ClinGen allele CA10292455.